The following is an entry in ClinVar:

ClinVar aggregate classification (germline): Uncertain significance. Review status: criteria provided, multiple submitters, no conflicts (2 of 4 stars). 3 submissions from 3 submitters: Uncertain significance (3). Last evaluated 2025-12-04.

Conditions:
Hereditary cancer-predisposing syndrome. Also called: Neoplastic Syndromes, Hereditary; Hereditary Cancer Syndrome; Tumor predisposition; Hereditary neoplastic syndrome. Identifiers: Orphanet 140162, MedGen C0027672, MeSH D009386, MONDO:0015356.
Familial cancer of breast. Also called: Hereditary breast cancer; BREAST CANCER, FAMILIAL; hereditary breast carcinoma. Identifiers: Orphanet 227535, MedGen C0346153, MONDO:0016419, OMIM 114480. Disease mechanism: loss of function.

Submissions (3):

Women's Health and Genetics/Laboratory Corporation of America, LabCorp
Classification: Uncertain significance. Last evaluated: 2025-12-04. Review status: criteria provided, single submitter. Criteria: LabCorp Variant Classification Summary - May 2015. Collection method: clinical testing. Allele origin: germline.
Comment: Variant summary: PALB2 c.404C>G (p.Pro135Arg) results in a non-conservative amino acid change in the encoded protein sequence. Algorithms developed to predict the effect of missense changes on protein structure and function are either unavailable or do not agree on the potential impact of this missense change. The variant was absent in 251160 control chromosomes. The available data on variant occurrences in the general population are insufficient to allow any conclusion about variant significance. To our knowledge, no occurrence of c.404C>G in individuals affected with PALB2-related conditions and no experimental evidence demonstrating its impact on protein function have been reported. ClinVar contains an entry for this variant (Variation ID: 1379288). Based on the evidence outlined above, the variant was classified as uncertain significance.

Labcorp Genetics (formerly Invitae), Labcorp
Classification: Uncertain significance for Familial cancer of breast. Last evaluated: 2025-07-31. Review status: criteria provided, single submitter. Criteria: Invitae Variant Classification Sherloc (09022015). Collection method: clinical testing. Allele origin: germline.
Comment: This sequence change replaces proline, which is neutral and non-polar, with arginine, which is basic and polar, at codon 135 of the PALB2 protein (p.Pro135Arg). This variant is not present in population databases (gnomAD no frequency). This variant has not been reported in the literature in individuals affected with PALB2-related conditions. ClinVar contains an entry for this variant (Variation ID: 1379288). An algorithm developed to predict the effect of missense changes on protein structure and function (PolyPhen-2) suggests that this variant is likely to be disruptive. In summary, the available evidence is currently insufficient to determine the role of this variant in disease. Therefore, it has been classified as a Variant of Uncertain Significance.

Ambry Genetics
Classification: Uncertain significance for Hereditary cancer-predisposing syndrome. Last evaluated: 2021-11-01. Review status: criteria provided, single submitter. Criteria: Ambry Variant Classification Scheme 2023. Collection method: clinical testing. Allele origin: germline.
Comment: The p.P135R variant (also known as c.404C>G), located in coding exon 4 of the PALB2 gene, results from a C to G substitution at nucleotide position 404. The proline at codon 135 is replaced by arginine, an amino acid with dissimilar properties. This amino acid position is conserved. In addition, this alteration is predicted to be tolerated by in silico analysis. Since supporting evidence is limited at this time, the clinical significance of this alteration remains unclear.

NM_024675.4(PALB2):c.404C>G (p.Pro135Arg)

Gene: PALB2 (partner and localizer of BRCA2; minus strand). Cytogenetic location: 16p12.2.
Variant type: single nucleotide variant.
Coding change: c.404C>G on transcript NM_024675.4 (MANE Select); coding-DNA position 404, C replaced by G.
Protein change: p.Pro135Arg; replaces proline 135 with arginine.
Molecular consequence: missense variant.
Genome position (GRCh38, 1-based): chr16:23,636,142, G>C on the plus strand (C>G on the coding strand, the complement: PALB2 is on the minus strand). VCF-style: chr16-23636142-G-C. GRCh37 (hg19) VCF-style: chr16-23647463-G-C.
Other names: short protein forms P135R.
Identifiers: ClinVar variation 1379288 (VCV001379288.10), dbSNP rs1597099361, ClinGen allele CA395137390.